The following is an entry in ClinVar:

NM_001242896.3(DEPDC5):c.2161C>A (p.Pro721Thr)

Gene: DEPDC5 (DEP domain containing 5, GATOR1 subcomplex subunit; plus strand). Cytogenetic location: 22q12.3.
Variant type: single nucleotide variant.
Coding change: c.2161C>A on transcript NM_001242896.3 (MANE Select); coding-DNA position 2161, C replaced by A.
Protein change: p.Pro721Thr; replaces proline 721 with threonine.
Molecular consequence: missense variant. On other transcripts: non-coding transcript variant (5).
Genome position (GRCh38, 1-based): chr22:31,833,971, C>A. VCF-style: chr22-31833971-C-A. GRCh37 (hg19) VCF-style: chr22-32229957-C-A.
Other names: c.2161C>A, p.Pro721Thr (NM_001136029.4, NM_001363852.2, NM_001364318.2 and 3 more transcripts); c.1927C>A, p.Pro643Thr (NM_001242897.2, NM_001363854.2, NM_001364319.2); c.2077C>A, p.Pro693Thr (NM_001369901.1, NM_001369902.1); short protein forms P643T, P693T, P721T.
Identifiers: ClinVar variation 949151 (VCV000949151.9), dbSNP rs568282457, ClinGen allele CA323331087.

ClinVar aggregate classification (germline): Uncertain significance (1 of 4 stars; one submission).

Conditions:
Familial focal epilepsy with variable foci (FPEVF). Identifiers: Orphanet 98820, MedGen C1858477, MONDO:0020310.

Allele frequency attached by ClinVar (database versions not stated): TOPMed below 0.00001; gnomAD 0.00001.
gnomAD v4.1: 2 of 1,613,504 alleles (0.00012%); highest among the groups gnomAD compares: Non-Finnish European, 0.00017%; no homozygotes.

Submission:

Labcorp Genetics (formerly Invitae), Labcorp
Classification: Uncertain significance for Familial focal epilepsy with variable foci. Last evaluated: 2022-02-11. Review status: criteria provided, single submitter. Criteria: Invitae Variant Classification Sherloc (09022015). Collection method: clinical testing. Allele origin: germline.
Comment: In summary, the available evidence is currently insufficient to determine the role of this variant in disease. Therefore, it has been classified as a Variant of Uncertain Significance. Algorithms developed to predict the effect of missense changes on protein structure and function are either unavailable or do not agree on the potential impact of this missense change (SIFT: "Tolerated"; PolyPhen-2: "Not Available"; Align-GVGD: "Class C0"). ClinVar contains an entry for this variant (Variation ID: 949151). This variant has not been reported in the literature in individuals affected with DEPDC5-related conditions. This variant is not present in population databases (gnomAD no frequency). This sequence change replaces proline, which is neutral and non-polar, with threonine, which is neutral and polar, at codon 721 of the DEPDC5 protein (p.Pro721Thr).